The following is an entry in ClinVar:

ClinVar aggregate classification (germline): Uncertain significance. Review status: criteria provided, multiple submitters, no conflicts (2 of 4 stars). 4 submissions from 2 submitters: Uncertain significance (4). Last evaluated 2023-04-11.

Conditions:
Retinitis pigmentosa 12 (RP12). Also called: RP WITH OR WITHOUT PRESERVED PARAARTERIOLE RETINAL PIGMENT EPITHELIUM; RETINITIS PIGMENTOSA WITH OR WITHOUT PARAARTERIOLAR PRESERVATION OF RETINAL PIGMENT EPITHELIUM; RP WITH OR WITHOUT PPRPE. Identifiers: Orphanet 791, MedGen C1838647, MONDO:0010818, OMIM 600105.
Leber congenital amaurosis 8 (LCA8). Identifiers: Orphanet 65, MedGen C3151202, MONDO:0013453, OMIM 613835.
Pigmented paravenous retinochoroidal atrophy. Identifiers: Orphanet 251295, MedGen C1868310, MONDO:0008246, OMIM 172870.

Submissions (4):

Genome-Nilou Lab
Classification: Uncertain significance for Leber congenital amaurosis 8. Last evaluated: 2023-04-11. Review status: criteria provided, single submitter. Criteria: ACMG Guidelines, 2015. Collection method: clinical testing. Allele origin: germline. Affected: no.

Genome-Nilou Lab
Classification: Uncertain significance for Pigmented paravenous retinochoroidal atrophy. Last evaluated: 2023-04-11. Review status: criteria provided, single submitter. Criteria: ACMG Guidelines, 2015. Collection method: clinical testing. Allele origin: germline. Affected: no.

Genome-Nilou Lab
Classification: Uncertain significance for Retinitis pigmentosa 12. Last evaluated: 2023-04-11. Review status: criteria provided, single submitter. Criteria: ACMG Guidelines, 2015. Collection method: clinical testing. Allele origin: germline. Affected: no.

Labcorp Genetics (formerly Invitae), Labcorp
Classification: Uncertain significance for Leber congenital amaurosis 8; Retinitis pigmentosa 12. Last evaluated: 2022-07-15. Review status: criteria provided, single submitter. Criteria: Invitae Variant Classification Sherloc (09022015). Collection method: clinical testing. Allele origin: germline.
Comment: This sequence change replaces serine, which is neutral and polar, with proline, which is neutral and non-polar, at codon 371 of the CRB1 protein (p.Ser371Pro). Information on the frequency of this variant in the gnomAD database is not available, as this variant may be reported differently in the database. This variant has not been reported in the literature in individuals affected with CRB1-related conditions. ClinVar contains an entry for this variant (Variation ID: 866126). Experimental studies and prediction algorithms are not available or were not evaluated, and the functional significance of this variant is currently unknown. In summary, the available evidence is currently insufficient to determine the role of this variant in disease. Therefore, it has been classified as a Variant of Uncertain Significance.

NM_201253.3(CRB1):c.1110_1111delinsGC (p.Ser371Pro)

Gene: CRB1 (crumbs cell polarity complex component 1; plus strand). Cytogenetic location: 1q31.3.
Variant type: Indel.
Coding change: c.1110_1111delinsGC on transcript NM_201253.3 (MANE Select); coding-DNA positions 1110 to 1111, TT replaced by GC.
Protein change: p.Ser371Pro; replaces serine 371 with proline.
Molecular consequence: missense variant. On other transcripts: non-coding transcript variant (2).
Genome position (GRCh38, 1-based): chr1:197,356,952-197,356,953, TT replaced by GC. VCF-style: chr1-197356952-TT-GC. GRCh37 (hg19) VCF-style: chr1-197326082-TT-GC.
Other names: c.774_775delinsGC, p.Ser259Pro (NM_001193640.2); c.903_904delinsGC, p.Ser302Pro (NM_001257965.2); c.1110_1111delinsGC, p.Ser371Pro (NM_001257966.2); short protein forms S302P, S371P, S259P.
Identifiers: ClinVar variation 866126 (VCV000866126.4), dbSNP rs1660514556, ClinGen allele CA916082098.